The following is an entry in ClinVar:

NM_015192.4(PLCB1):c.2619G>T (p.Lys873Asn)

Gene: PLCB1 (phospholipase C beta 1; plus strand). Cytogenetic location: 20p12.3.
Variant type: single nucleotide variant.
Coding change: c.2619G>T on transcript NM_015192.4 (MANE Select); coding-DNA position 2619, G replaced by T.
Protein change: p.Lys873Asn; replaces lysine 873 with asparagine.
Molecular consequence: missense variant.
Genome position (GRCh38, 1-based): chr20:8,757,141, G>T. VCF-style: chr20-8757141-G-T. GRCh37 (hg19) VCF-style: chr20-8737788-G-T.
Other names: c.2619G>T, p.Lys873Asn (NM_182734.3); short protein forms K873N.
Identifiers: ClinVar variation 950552 (VCV000950552.1), dbSNP rs1981778719, ClinGen allele CA408207311.

ClinVar aggregate classification (germline): Uncertain significance (1 of 4 stars; one submission).

Conditions:
Developmental and epileptic encephalopathy, 12 (DEE12). Identifiers: MedGen C3150988, MONDO:0013389, OMIM 613722.

Submission:

Labcorp Genetics (formerly Invitae), Labcorp
Classification: Uncertain significance for Early infantile epileptic encephalopathy 12. Last evaluated: 2019-04-19. Review status: criteria provided, single submitter. Criteria: Invitae Variant Classification Sherloc (09022015). Collection method: clinical testing. Allele origin: germline.
Comment: This sequence change replaces lysine with asparagine at codon 873 of the PLCB1 protein (p.Lys873Asn). The lysine residue is moderately conserved and there is a moderate physicochemical difference between lysine and asparagine. This variant is not present in population databases (ExAC no frequency). This variant has not been reported in the literature in individuals with PLCB1-related conditions. Algorithms developed to predict the effect of missense changes on protein structure and function (SIFT, PolyPhen-2, Align-GVGD) all suggest that this variant is likely to be tolerated, but these predictions have not been confirmed by published functional studies and their clinical significance is uncertain. In summary, the available evidence is currently insufficient to determine the role of this variant in disease. Therefore, it has been classified as a Variant of Uncertain Significance.